The following is an entry in ClinVar:

NM_005529.7(HSPG2):c.12908G>A (p.Arg4303His)

Genes: HSPG2 (heparan sulfate proteoglycan 2; minus strand), LDLRAD2 (low density lipoprotein receptor class A domain containing 2; plus strand). Cytogenetic location: 1p36.12.
Variant type: single nucleotide variant.
Coding change: c.12908G>A on transcript NM_005529.7 (MANE Select); coding-DNA position 12908, G replaced by A.
Protein change: p.Arg4303His; replaces arginine 4303 with histidine.
Molecular consequence: missense variant. On other transcripts: 3 prime UTR variant (1).
Genome position (GRCh38, 1-based): chr1:21,823,711, C>T on the plus strand (G>A on the coding strand, the complement: HSPG2 is on the minus strand). VCF-style: chr1-21823711-C-T. GRCh37 (hg19) VCF-style: chr1-22150204-C-T.
Other names: c.12911G>A, p.Arg4304His (NM_001291860.2); c.*1496C>T (NM_001013693.3); short protein forms R4304H, R4303H.
Identifiers: ClinVar variation 2166210 (VCV002166210.5), dbSNP rs199715708, ClinGen allele CA669214.
Genomic context (GRCh38, chr1:21,823,711, plus strand): 5'-TTGGGACCTGGGGACCGGCCGCTGACCAGCTCCTCACCGTCGACTTGGATGGAACCTCTG[C>T]GGCCCTCCCTGCAGTGGAACTGGGTCAGGCCCCTTTCCACAAACTTCCTGGTCCTCCCCG-3'
Protein context (NP_005520.4, residues 4293-4313): WHRVTALREG[Arg4303His]RGSIQVDGEE

ClinVar aggregate classification (germline): Uncertain significance. Review status: criteria provided, multiple submitters, no conflicts (2 of 4 stars). 2 submissions from 2 submitters: Uncertain significance (2). Last evaluated 2022-11-18.

Conditions:
Inborn genetic diseases. Identifiers: MedGen C0950123, MeSH D030342.

Allele frequency attached by ClinVar (database versions not stated): ExAC 0.00002; TOPMed 0.00003; gnomAD exomes 0.00004; gnomAD 0.00005.
gnomAD v4.1: 67 of 1,613,132 alleles (0.0042%); highest among the groups gnomAD compares: South Asian, 0.027%; no homozygotes.

Submissions (2):

Labcorp Genetics (formerly Invitae), Labcorp
Classification: Uncertain significance. Last evaluated: 2022-11-18. Review status: criteria provided, single submitter. Criteria: Invitae Variant Classification Sherloc (09022015). Collection method: clinical testing. Allele origin: germline.
Comment: This sequence change replaces arginine, which is basic and polar, with histidine, which is basic and polar, at codon 4303 of the HSPG2 protein (p.Arg4303His). This variant is present in population databases (rs199715708, gnomAD 0.02%), including at least one homozygous and/or hemizygous individual. This variant has not been reported in the literature in individuals affected with HSPG2-related conditions. Algorithms developed to predict the effect of missense changes on protein structure and function are either unavailable or do not agree on the potential impact of this missense change (SIFT: "Tolerated"; PolyPhen-2: "Possibly Damaging"; Align-GVGD: "Class C0"). In summary, the available evidence is currently insufficient to determine the role of this variant in disease. Therefore, it has been classified as a Variant of Uncertain Significance.

Ambry Genetics
Classification: Uncertain significance for Inborn genetic diseases. Last evaluated: 2022-11-07. Review status: criteria provided, single submitter. Criteria: Ambry Variant Classification Scheme 2023. Collection method: clinical testing. Allele origin: germline.